The following is an entry in ClinVar:

NM_005198.5(CHKB):c.*96G>C

Genes: CHKB-CPT1B (CHKB-CPT1B readthrough (NMD candidate); minus strand), CHKB (choline kinase beta; minus strand). Cytogenetic location: 22q13.33.
Variant type: single nucleotide variant.
Coding change: c.*96G>C on transcript NM_005198.5 (MANE Select); 96 bases downstream of the stop codon, G replaced by C.
Molecular consequence: 3 prime UTR variant. On other transcripts: non-coding transcript variant (1).
Genome position (GRCh38, 1-based): chr22:50,579,085, C>G on the plus strand (G>C on the coding strand, the complement: CHKB is on the minus strand). VCF-style: chr22-50579085-C-G. GRCh37 (hg19) VCF-style: chr22-51017514-C-G.
Identifiers: ClinVar variation 342164 (VCV000342164.9), dbSNP rs17001634, ClinGen allele CA10651527.

ClinVar aggregate classification (germline): Benign/Likely benign. Review status: criteria provided, multiple submitters, no conflicts (2 of 4 stars). 3 submissions from 3 submitters: Benign (1); Likely benign (2). Last evaluated 2018-06-28.

Conditions:
Megaconial type congenital muscular dystrophy (MDCMC). Also called: MUSCULAR DYSTROPHY, CONGENITAL, WITH MITOCHONDRIAL STRUCTURAL ABNORMALITIES; CHKB-Related Muscle Diseases; CHKB-Related Muscular Dystrophy. Identifiers: Orphanet 280671, MedGen C1865233, MONDO:0011246, OMIM 602541.

Allele frequency attached by ClinVar (database versions not stated): gnomAD 0.03056 and 0.03543; TOPMed 0.03248; gnomAD exomes 0.03677; 1000 Genomes Project 30x 0.06761; 1000 Genomes Project 0.06909.
gnomAD v4.1: 45,175 of 1,231,266 alleles (3.7%); highest among the groups gnomAD compares: South Asian, 13%; 1,647 homozygotes.

Submissions (3):

GeneDx
Classification: Likely benign. Last evaluated: 2018-06-28. Review status: criteria provided, single submitter. Criteria: GeneDx Variant Classification Process June 2021. Collection method: clinical testing. Allele origin: germline. Affected: yes.

Illumina Laboratory Services, Illumina
Classification: Benign for Megaconial type congenital muscular dystrophy. Last evaluated: 2018-01-13. Review status: criteria provided, single submitter. Criteria: ICSL Variant Classification Criteria 13 December 2019. Collection method: clinical testing. Allele origin: germline.
Comment: This variant was observed in the ICSL laboratory as part of a predisposition screen in an ostensibly healthy population. It had not been previously curated by ICSL or reported in the Human Gene Mutation Database (HGMD: prior to June 1st, 2018), and was therefore a candidate for classification through an automated scoring system. Utilizing variant allele frequency, disease prevalence and penetrance estimates, and inheritance mode, an automated score was calculated to assess if this variant is too frequent to cause the disease. Based on the score and internal cut-off values, a variant classified as benign is not then subjected to further curation. The score for this variant resulted in a classification of benign for this disease.

Breakthrough Genomics
Classification: Likely benign. Review status: criteria provided, single submitter. Criteria: ACMG Guidelines, 2015. Collection method: not provided. Allele origin: germline. Inheritance: Autosomal recessive inheritance. Affected: yes.